The following is an entry in ClinVar:

ClinVar aggregate classification (germline): Uncertain significance (1 of 4 stars; one submission).

Conditions:
Lowe syndrome (OCRL). Also called: Oculocerebrorenal Syndrome; LOWE OCULOCEREBRORENAL SYNDROME; PHOSPHATIDYLINOSITOL 4,5-BISPHOSPHATE 5-PHOSPHATASE DEFICIENCY. Identifiers: Orphanet 534, MedGen C0028860, MONDO:0010645, OMIM 309000.

Submission:

Labcorp Genetics (formerly Invitae), Labcorp
Classification: Uncertain significance for Lowe syndrome. Last evaluated: 2019-06-07. Review status: criteria provided, single submitter. Criteria: Invitae Variant Classification Sherloc (09022015). Collection method: clinical testing. Allele origin: germline.
Comment: This sequence change replaces glutamine with arginine at codon 452 of the OCRL protein (p.Gln452Arg). The glutamine residue is highly conserved and there is a small physicochemical difference between glutamine and arginine. This variant is not present in population databases (ExAC no frequency). This variant has not been reported in the literature in individuals with OCRL-related conditions. Algorithms developed to predict the effect of missense changes on protein structure and function (SIFT, PolyPhen-2, Align-GVGD) all suggest that this variant is likely to be disruptive, but these predictions have not been confirmed by published functional studies and their clinical significance is uncertain. In summary, the available evidence is currently insufficient to determine the role of this variant in disease. Therefore, it has been classified as a Variant of Uncertain Significance.

NM_000276.4(OCRL):c.1355A>G (p.Gln452Arg)

Gene: OCRL (OCRL inositol polyphosphate-5-phosphatase; plus strand). Cytogenetic location: Xq26.1.
Variant type: single nucleotide variant.
Coding change: c.1355A>G on transcript NM_000276.4 (MANE Select); coding-DNA position 1355, A replaced by G.
Protein change: p.Gln452Arg; replaces glutamine 452 with arginine.
Molecular consequence: missense variant.
Genome position (GRCh38, 1-based): chrX:129,565,882, A>G. VCF-style: chrX-129565882-A-G. GRCh37 (hg19) VCF-style: chrX-128699859-A-G.
Other names: c.1358A>G, p.Gln453Arg (NM_001318784.2); c.1355A>G, p.Gln452Arg (NM_001587.4); short protein forms Q453R, Q452R.
Identifiers: ClinVar variation 946506 (VCV000946506.9), dbSNP rs1936210819, ClinGen allele CA414553425.